The following is an entry in ClinVar:

ClinVar aggregate classification (germline): Uncertain significance (1 of 4 stars; one submission).

Conditions:
Epileptic encephalopathy. Identifiers: MedGen C0543888, HP:0200134.

Submission:

Labcorp Genetics (formerly Invitae), Labcorp
Classification: Uncertain significance for Epileptic encephalopathy. Last evaluated: 2018-05-01. Review status: criteria provided, single submitter. Criteria: Invitae Variant Classification Sherloc (09022015). Collection method: clinical testing. Allele origin: germline.
Comment: This sequence change creates a premature translational stop signal (p.Phe3515*) in the RYR3 gene. It is expected to result in an absent or disrupted protein product. This variant is not present in population databases (ExAC no frequency). This variant has not been reported in the literature in individuals with RYR3-related disease. The current clinical and genetic evidence is not sufficient to establish whether loss-of-function variants in RYR3 cause disease. In summary, the available evidence is currently insufficient to determine the role of this variant in disease. Therefore, it has been classified as a Variant of Uncertain Significance.

NM_001036.6(RYR3):c.10544_10547delinsA (p.Phe3515_Trp3516delinsTer)

Gene: RYR3 (ryanodine receptor 3; plus strand). Cytogenetic location: 15q14.
Variant type: Indel.
Coding change: c.10544_10547delinsA on transcript NM_001036.6 (MANE Select); coding-DNA positions 10544 to 10547, TTTG replaced by A.
Protein change: p.Phe3515_Trp3516delinsTer.
Molecular consequence: nonsense.
Genome position (GRCh38, 1-based): chr15:33,816,903-33,816,906, TTTG replaced by A. VCF-style: chr15-33816903-TTTG-A. GRCh37 (hg19) VCF-style: chr15-34109104-TTTG-A.
Other names: c.10529_10532delinsA, p.Phe3510_Trp3511delinsTer (NM_001243996.4).
Identifiers: ClinVar variation 576018 (VCV000576018.1), dbSNP rs1567232258, ClinGen allele CA891844333.